The following is an entry in ClinVar:

ClinVar aggregate classification (germline): Pathogenic/Likely pathogenic. Review status: criteria provided, multiple submitters, no conflicts (2 of 4 stars). 6 submissions from 6 submitters: Pathogenic (2); Likely pathogenic (3). 1 of the submissions does not count toward it. Last evaluated 2026-01-06.

Conditions:
ELP1-related disorder. Also called: ELP1-related condition.
Familial dysautonomia. Also called: FD; HSAN III. Identifiers: Orphanet 1764, MedGen C0013364, MONDO:0009131, OMIM 223900. Disease mechanism: loss of function.
Medulloblastoma (MDB). Also called: Medulloblastoma, somatic; MEDULLOBLASTOMA PREDISPOSITION SYNDROME. Identifiers: Orphanet 616, MedGen C0025149, MeSH D008527, MONDO:0007959, OMIM 155255, HP:0002885.

Allele frequency attached by ClinVar (database versions not stated): gnomAD 0.00001 and 0.00002; gnomAD exomes 0.00001 and 0.00002; TOPMed 0.00003.

Submissions (6):

PreventionGenetics, part of Exact Sciences
Classification: Likely pathogenic for ELP1-related condition. Last evaluated: 2026-01-06. Review status: criteria provided, single submitter. Criteria: ACMG Guidelines, 2015. Collection method: clinical testing. Allele origin: germline.
Comment: The ELP1 c.312T>A variant is predicted to result in premature protein termination (p.Cys104*). This variant has been reported in an individual with medulloblastoma (Extended Data Table 2, Waszak et al. 2020. PubMed ID: 32296180). This variant is reported in 0.0023% of alleles in individuals of European (Non-Finnish) descent in gnomAD. Nonsense variants in ELP1 are expected to be pathogenic. This variant is interpreted as likely pathogenic.

Labcorp Genetics (formerly Invitae), Labcorp
Classification: Pathogenic. Last evaluated: 2025-11-05. Review status: criteria provided, single submitter. Criteria: Invitae Variant Classification Sherloc (09022015). Collection method: clinical testing. Allele origin: germline.
Comment: This sequence change creates a premature translational stop signal (p.Cys104*) in the ELP1 gene. It is expected to result in an absent or disrupted protein product. Loss-of-function variants in ELP1 are known to be pathogenic (PMID: 18303054, 24173031). This variant is present in population databases (no rsID available, gnomAD 0.002%). This variant has not been reported in the literature in individuals affected with ELP1-related conditions. ClinVar contains an entry for this variant (Variation ID: 501334). For these reasons, this variant has been classified as Pathogenic.

Natera, Inc.
Classification: Likely pathogenic for Familial dysautonomia. Last evaluated: 2025-07-22. Review status: criteria provided, single submitter. Criteria: Natera Variant Classification Schema (03/2026). Collection method: clinical testing. Allele origin: germline.
Comment: The c.312T>A variant in ELP1 is a nonsense variant predicted to introduce a stop codon at amino acid 104. This variant is expected to result in nonsense mediated decay, truncation, or a dysfunctional protein product. This variant is rare in the general population with a frequency below the threshold expected for the associated phenotype(s). Given the available evidence, this variant is classified as Likely Pathogenic.

St. Jude Molecular Pathology, St. Jude Children's Research Hospital
Classification: Pathogenic for Medulloblastoma. Last evaluated: 2024-10-12. Review status: criteria provided, single submitter. Criteria: St. Jude Assertion Criteria 2020. Collection method: clinical testing. Allele origin: germline. Affected: yes.
Comment: The ELP1 c.312T>A (p.Cys104Ter) change is a nonsense variant that is predicted to cause premature protein truncation or absence of protein due to nonsense-mediated decay. This variant has been reported in individuals with the sonic hedgehog (SHH) subtype of medulloblastoma (PMID: 32296180, internal data). This variant has a maximum subpopulation frequency of 0.002% in gnomAD v2.1.1. In summary, this variant meets criteria to be classified as pathogenic.

GeneDx
Classification: Likely pathogenic. Last evaluated: 2024-06-25. Review status: criteria provided, single submitter. Criteria: GeneDx Variant Classification Process June 2021. Collection method: clinical testing. Allele origin: germline. Affected: yes.
Comment: Identified in a patient with medulloblastoma in published literature (PMID: 32296180); Nonsense variant predicted to result in protein truncation or nonsense mediated decay in a gene for which loss of function is a known mechanism of disease; Not observed at significant frequency in large population cohorts (gnomAD); This variant is associated with the following publications: (PMID: 32296180)

Eurofins Ntd Llc (ga)
Classification: Uncertain significance. Last evaluated: 2017-04-11. Review status: flagged submission. Criteria: EGL Classification Definitions 2015. Collection method: clinical testing. Allele origin: germline. Observed: 1 variant allele, 1 heterozygote. Not counted in ClinVar's aggregate classification.
ClinVar note: Reason: Older and outlier claim with insufficient supporting evidence

Literature cited by the submitters: PubMed 18303054 (cited by Labcorp Genetics (formerly Invitae), Labcorp); PubMed 24173031 (cited by Labcorp Genetics (formerly Invitae), Labcorp).

NM_003640.5(ELP1):c.312T>A (p.Cys104Ter)

Gene: ELP1 (elongator acetyltransferase complex subunit 1; minus strand). Cytogenetic location: 9q31.3.
Variant type: single nucleotide variant.
Coding change: c.312T>A on transcript NM_003640.5 (MANE Select); coding-DNA position 312, T replaced by A.
Protein change: p.Cys104Ter; replaces cysteine 104 with a stop codon.
Molecular consequence: nonsense. On other transcripts: 5 prime UTR variant (2).
Genome position (GRCh38, 1-based): chr9:108,927,445, A>T on the plus strand (T>A on the coding strand, the complement: ELP1 is on the minus strand). VCF-style: chr9-108927445-A-T. GRCh37 (hg19) VCF-style: chr9-111689725-A-T.
Other names: c.-31T>A (NM_001318360.2); c.-548T>A (NM_001330749.2); c.312T>A (NM_003640.4, LRG_251t1); short protein forms C104*.
Identifiers: ClinVar variation 501334 (VCV000501334.22), dbSNP rs1291760879, ClinGen allele CA374392175.